The following is an entry in ClinVar:

ClinVar aggregate classification (germline): Uncertain significance (1 of 4 stars; one submission).

Submission:

GeneDx
Classification: Uncertain significance. Last evaluated: 2025-01-31. Review status: criteria provided, single submitter. Criteria: GeneDx Variant Classification Process June 2021. Collection method: clinical testing. Allele origin: germline. Affected: yes.
Comment: In silico analysis indicates that this missense variant does not alter protein structure/function; Has not been previously published as pathogenic or benign to our knowledge

NM_003737.4(DCHS1):c.2981G>A (p.Arg994His)

Gene: DCHS1 (dachsous cadherin-related 1; minus strand). Cytogenetic location: 11p15.4.
Variant type: single nucleotide variant.
Coding change: c.2981G>A on transcript NM_003737.4 (MANE Select); coding-DNA position 2981, G replaced by A.
Protein change: p.Arg994His; replaces arginine 994 with histidine.
Molecular consequence: missense variant.
Genome position (GRCh38, 1-based): chr11:6,632,531, C>T on the plus strand (G>A on the coding strand, the complement: DCHS1 is on the minus strand). VCF-style: chr11-6632531-C-T. GRCh37 (hg19) VCF-style: chr11-6653762-C-T.
Other names: short protein forms R994H.
Identifiers: ClinVar variation 4072659 (VCV004072659.1).